The following is an entry in ClinVar:

ClinVar aggregate classification (germline): Pathogenic (1 of 4 stars; one submission).

Conditions:
Tumor predisposition syndrome 3 (TPDS3). Also called: Melanoma, cutaneous malignant, susceptibility to, 10; Glioma susceptibility 9; LONG TELOMERE SYNDROME, POT1-RELATED; POT1 Tumor Predisposition. Identifiers: Orphanet 618, MedGen C4014476, MONDO:0014368, OMIM 615848.

Allele frequency attached by ClinVar (database versions not stated): TOPMed 0.00001.

Submission:

Labcorp Genetics (formerly Invitae), Labcorp
Classification: Pathogenic for Tumor predisposition syndrome 3. Last evaluated: 2025-11-28. Review status: criteria provided, single submitter. Criteria: Invitae Variant Classification Sherloc (09022015). Collection method: clinical testing. Allele origin: germline.
Comment: This sequence change falls in intron 11 of the POT1 gene. It does not directly change the encoded amino acid sequence of the POT1 protein. RNA analysis indicates that this variant induces altered splicing and may result in an absent or altered protein product. This variant is not present in population databases (gnomAD no frequency). This variant has been observed in individual(s) with POT1-related conditions (internal data). ClinVar contains an entry for this variant (Variation ID: 2021399). Studies have shown that this variant results in activation of a cryptic splice site, and produces a non-functional protein and/or introduces a premature termination codon (internal data). For these reasons, this variant has been classified as Pathogenic.

NM_015450.3(POT1):c.950-915C>T

Gene: POT1 (protection of telomeres 1; minus strand). Cytogenetic location: 7q31.33.
Variant type: single nucleotide variant.
Coding change: c.950-915C>T on transcript NM_015450.3 (MANE Select); 915 bases into the intron before coding-DNA position 950, C replaced by T.
Molecular consequence: intron variant.
Genome position (GRCh38, 1-based): chr7:124,847,913, G>A on the plus strand (C>T on the coding strand, the complement: POT1 is on the minus strand). VCF-style: chr7-124847913-G-A. GRCh37 (hg19) VCF-style: chr7-124487967-G-A.
Other names: c.557-915C>T (NM_001042594.2).
Identifiers: ClinVar variation 2021399 (VCV002021399.4), dbSNP rs1361233426, ClinGen allele CA832773069.
Genomic context (GRCh38, chr7:124,847,913, plus strand): 5'-TTCACACTATACTAGTAAGCATTGAATGGGAAGCCTAGACATAAGCCCACATTTATACTC[G>A]CTTGATTTTTGACAAAGACATTGAAGCCATCTAATAGGAAAAAGGAAACAAATGATGTCA-3'